The following is an entry in ClinVar:

NM_024675.4(PALB2):c.546C>G (p.Ile182Met)

Gene: PALB2 (partner and localizer of BRCA2; minus strand). Cytogenetic location: 16p12.2.
Variant type: single nucleotide variant.
Coding change: c.546C>G on transcript NM_024675.4 (MANE Select); coding-DNA position 546, C replaced by G.
Protein change: p.Ile182Met; replaces isoleucine 182 with methionine.
Molecular consequence: missense variant.
Genome position (GRCh38, 1-based): chr16:23,636,000, G>C on the plus strand (C>G on the coding strand, the complement: PALB2 is on the minus strand). VCF-style: chr16-23636000-G-C. GRCh37 (hg19) VCF-style: chr16-23647321-G-C.
Other names: short protein forms I182M.
Identifiers: ClinVar variation 922381 (VCV000922381.5), dbSNP rs1597098917, ClinGen allele CA395136880.

ClinVar aggregate classification (germline): Uncertain significance (1 of 4 stars; one submission).

Conditions:
Hereditary cancer-predisposing syndrome. Also called: Neoplastic Syndromes, Hereditary; Tumor predisposition; Hereditary Cancer Syndrome; Hereditary neoplastic syndrome. Identifiers: Orphanet 140162, MedGen C0027672, MeSH D009386, MONDO:0015356.

Submission:

Color Diagnostics, LLC DBA Color Health
Classification: Uncertain significance for Hereditary cancer-predisposing syndrome. Last evaluated: 2023-12-05. Review status: criteria provided, single submitter. Criteria: ACMG Guidelines, 2015. Collection method: clinical testing. Allele origin: germline.
Comment: This missense variant replaces isoleucine with methionine at codon 182 of the PALB2 protein. Computational prediction tools and conservation analyses suggest that this variant may not impact protein structure and function. Splice site prediction tools suggest that this variant may not impact RNA splicing. To our knowledge, functional studies have not been performed for this variant. This variant has not been reported in individuals affected with hereditary cancer in the literature. This variant has not been identified in the general population by the Genome Aggregation Database (gnomAD). The available evidence is insufficient to determine the role of this variant in disease conclusively. Therefore, this variant is classified as a Variant of Uncertain Significance.